The following is an entry in ClinVar:

ClinVar aggregate classification (germline): Uncertain significance (1 of 4 stars; one submission).

Conditions:
Hereditary cancer-predisposing syndrome. Also called: Tumor predisposition; Hereditary Cancer Syndrome; Hereditary neoplastic syndrome; Neoplastic Syndromes, Hereditary. Identifiers: Orphanet 140162, MedGen C0027672, MeSH D009386, MONDO:0015356.

Submission:

Ambry Genetics
Classification: Uncertain significance for Hereditary cancer-predisposing syndrome. Last evaluated: 2017-02-14. Review status: criteria provided, single submitter. Criteria: Ambry Variant Classification Scheme 2023. Collection method: clinical testing. Allele origin: germline.
Comment: The p.S536R variant (also known as c.1606A>C), located in coding exon 4 of the MSH6 gene, results from an A to C substitution at nucleotide position 1606. The serine at codon 536 is replaced by arginine, an amino acid with dissimilar properties. This amino acid position is not well conserved in available vertebrate species. In addition, the in silico prediction for this alteration is inconclusive. In addition, the CoDP in silico tool predicts this alteration is likely to impair molecular function, with a score of 0.893 (Terui H et al. J. Biomed. Sci. 2013 Apr;20:25). Since supporting evidence is limited at this time, the clinical significance of this alteration remains unclear.

NM_000179.3(MSH6):c.1606A>C (p.Ser536Arg)

Gene: MSH6 (mutS homolog 6; plus strand). Cytogenetic location: 2p16.3.
Variant type: single nucleotide variant.
Coding change: c.1606A>C on transcript NM_000179.3 (MANE Select); coding-DNA position 1606, A replaced by C.
Protein change: p.Ser536Arg; replaces serine 536 with arginine.
Molecular consequence: missense variant.
Genome position (GRCh38, 1-based): chr2:47,799,589, A>C. VCF-style: chr2-47799589-A-C. GRCh37 (hg19) VCF-style: chr2-48026728-A-C.
Other names: c.1216A>C, p.Ser406Arg (NM_001281492.2); c.700A>C, p.Ser234Arg (NM_001281493.2, NM_001281494.2); short protein forms S536R, S234R, S406R.
Identifiers: ClinVar variation 485879 (VCV000485879.5), dbSNP rs765983691, ClinGen allele CA346746986.